The following is an entry in ClinVar:

ClinVar aggregate classification (germline): Uncertain significance (1 of 4 stars; one submission).

Conditions:
SHORT syndrome. Also called: LIPODYSTROPHY, PARTIAL, WITH RIEGER ANOMALY AND SHORT STATURE; PIK3R1-Related SHORT Syndrome; SHORT STATURE, HYPEREXTENSIBILITY, HERNIA, OCULAR DEPRESSION, RIEGER ANOMALY, AND TEETHING DELAY. Identifiers: Orphanet 3163, MedGen C0878684, MONDO:0010026, OMIM 269880.
Agammaglobulinemia 7, autosomal recessive (AGM7). Also called: AGAMMAGLOBULINEMIA, AUTOSOMAL RECESSIVE, DUE TO PIK3R1 DEFECT. Identifiers: MedGen C3554689, MONDO:0014083, OMIM 615214.
Immunodeficiency 36 with lymphoproliferation. Also called: Immunodeficiency 36; ACTIVATED PI3K-DELTA SYNDROME 2; Activated PI3K Delta Syndrome Type 2 (APDS2). Identifiers: Orphanet 397596, Orphanet 693681, MedGen C4014934, MONDO:0014453, OMIM 616005.

Allele frequency attached by ClinVar (database versions not stated): gnomAD 0.00001; TOPMed 0.00001.
gnomAD v4.1: 1 of 1,613,398 alleles (0.000062%); highest among the groups gnomAD compares: African/African-American, 0.0013%; no homozygotes.

Submission:

Labcorp Genetics (formerly Invitae), Labcorp
Classification: Uncertain significance for SHORT syndrome; Immunodeficiency 36 with lymphoproliferation; Agammaglobulinemia 7, autosomal recessive. Last evaluated: 2023-10-13. Review status: criteria provided, single submitter. Criteria: Invitae Variant Classification Sherloc (09022015). Collection method: clinical testing. Allele origin: germline.
Comment: This sequence change falls in intron 14 of the PIK3R1 gene. It does not directly change the encoded amino acid sequence of the PIK3R1 protein. This variant is not present in population databases (gnomAD no frequency). This variant has not been reported in the literature in individuals affected with PIK3R1-related conditions. Algorithms developed to predict the effect of sequence changes on RNA splicing suggest that this variant may disrupt the consensus splice site. In summary, the available evidence is currently insufficient to determine the role of this variant in disease. Therefore, it has been classified as a Variant of Uncertain Significance.

NM_181523.3(PIK3R1):c.1815-12C>T

Gene: PIK3R1 (phosphoinositide-3-kinase regulatory subunit 1; plus strand). Cytogenetic location: 5q13.1.
Variant type: single nucleotide variant.
Coding change: c.1815-12C>T on transcript NM_181523.3 (MANE Select); 12 bases into the intron before coding-DNA position 1815, C replaced by T.
Molecular consequence: intron variant.
Genome position (GRCh38, 1-based): chr5:68,296,159, C>T. VCF-style: chr5-68296159-C-T. GRCh37 (hg19) VCF-style: chr5-67591987-C-T.
Other names: c.915-12C>T (NM_181524.2); c.1005-12C>T (NM_181504.4); c.726-12C>T (NM_001242466.2).
Identifiers: ClinVar variation 2933040 (VCV002933040.3), dbSNP rs1057026388, ClinGen allele CA119908286.